The following is an entry in ClinVar:

NM_000487.6(ARSA):c.1150G>C (p.Glu384Gln)

Gene: ARSA (arylsulfatase A; minus strand). Cytogenetic location: 22q13.33.
Variant type: single nucleotide variant.
Coding change: c.1150G>C on transcript NM_000487.6 (MANE Select); coding-DNA position 1150, G replaced by C.
Protein change: p.Glu384Gln; replaces glutamic acid 384 with glutamine.
Molecular consequence: missense variant.
Genome position (GRCh38, 1-based): chr22:50,625,639, C>G on the plus strand (G>C on the coding strand, the complement: ARSA is on the minus strand). VCF-style: chr22-50625639-C-G. GRCh37 (hg19) VCF-style: chr22-51064067-C-G.
Other names: c.1150G>C, p.Glu384Gln (NM_001085425.3, NM_001085426.3, NM_001085427.3); c.892G>C, p.Glu298Gln (NM_001085428.3, NM_001362782.2); short protein forms E298Q, E384Q.
Identifiers: ClinVar variation 4060930 (VCV004060930.2).

ClinVar aggregate classification (germline): Likely pathogenic (1 of 4 stars; one submission).

Conditions:
Metachromatic leukodystrophy (MLD). Also called: ARSA DEFICIENCY; CEREBROSIDE SULFATASE DEFICIENCY; METACHROMATIC LEUKOENCEPHALOPATHY; SULFATIDE LIPIDOSIS; Cerebral sclerosis diffuse metachromatic form; Arylsulfatase A Deficiency. Identifiers: Orphanet 512, MedGen C0023522, MONDO:0018868, OMIM 250100.

Submission:

Natera, Inc.
Classification: Likely pathogenic for Metachromatic leukodystrophy. Last evaluated: 2025-03-07. Review status: criteria provided, single submitter. Criteria: Natera Variant Classification Schema (03/2026). Collection method: clinical testing. Allele origin: germline.
Comment: The c.1150G>C variant in ARSA is a missense variant predicted to cause substitution of glutamic acid to glutamine at amino acid 384. This variant is rare in the general population with a frequency below the threshold expected for the associated phenotype(s). This variant has been observed in one or more individuals affected with the associated recessive disease, as either homozygous or compound heterozygous with a second variant (PMID: 26462614). Functional studies show that this variant may disrupt protein function (PMID: 15139291). A different variant at the same position has been determined to be Pathogenic or Likely Pathogenic. Multiple computational prediction algorithms suggest this variant is unlikely to affect gene or protein function. Given the available evidence, this variant is classified as Likely Pathogenic.

Literature cited by the submitters: PubMed 26462614; PubMed 15139291.